The following is an entry in ClinVar:

ClinVar aggregate classification (germline): Likely benign. Review status: criteria provided, multiple submitters, no conflicts (2 of 4 stars). 4 submissions from 4 submitters: Likely benign (3). 1 of the submissions does not count toward it. Last evaluated 2025-09-22.

Conditions:
HARS2-related disorder. Also called: HARS2-related condition.

Allele frequency attached by ClinVar (database versions not stated): gnomAD exomes 0.00008 and 0.00011; ExAC 0.00009; gnomAD 0.00010; TOPMed 0.00011; 1000 Genomes Project 30x 0.00016; 1000 Genomes Project 0.00020.

Submissions (4):

Labcorp Genetics (formerly Invitae), Labcorp
Classification: Likely benign. Last evaluated: 2025-09-22. Review status: criteria provided, single submitter. Criteria: Invitae Variant Classification Sherloc (09022015). Collection method: clinical testing. Allele origin: germline.

GeneDx
Classification: Likely benign. Last evaluated: 2020-09-01. Review status: criteria provided, single submitter. Criteria: GeneDx Variant Classification Process June 2021. Collection method: clinical testing. Allele origin: germline. Affected: yes.

Breakthrough Genomics
Classification: Likely benign. Review status: criteria provided, single submitter. Criteria: ACMG Guidelines, 2015. Collection method: not provided. Allele origin: germline. Inheritance: Autosomal recessive inheritance. Affected: yes.

PreventionGenetics, part of Exact Sciences
Classification: Likely benign for HARS2-related condition. Last evaluated: 2024-06-18. Review status: no assertion criteria provided. Collection method: clinical testing. Allele origin: germline. Not counted in ClinVar's aggregate classification.
Comment: This variant is classified as likely benign based on ACMG/AMP sequence variant interpretation guidelines (Richards et al. 2015 PMID: 25741868, with internal and published modifications).

NM_012208.4(HARS2):c.1281G>A (p.Lys427=)

Gene: HARS2 (histidyl-tRNA synthetase 2, mitochondrial; plus strand). Cytogenetic location: 5q31.3.
Variant type: single nucleotide variant.
Coding change: c.1281G>A on transcript NM_012208.4 (MANE Select); coding-DNA position 1281, G replaced by A.
Protein change: p.Lys427=; no amino-acid change (lysine 427 retained).
Molecular consequence: synonymous variant.
Genome position (GRCh38, 1-based): chr5:140,697,652, G>A. VCF-style: chr5-140697652-G-A. GRCh37 (hg19) VCF-style: chr5-140077237-G-A.
Other names: c.1206G>A, p.Lys402= (NM_001278731.2); c.849G>A, p.Lys283= (NM_001278732.2); c.1299G>A, p.Lys433= (NM_001363535.2); c.1071G>A, p.Lys357= (NM_001363536.2); c.1281G>A (NM_012208.3).
Identifiers: ClinVar variation 1210515 (VCV001210515.13), dbSNP rs202077661, ClinGen allele CA3444662.